The following is an entry in ClinVar:

NM_015102.5(NPHP4):c.3656T>C (p.Leu1219Pro)

Gene: NPHP4 (nephrocystin 4; minus strand). Cytogenetic location: 1p36.31.
Variant type: single nucleotide variant.
Coding change: c.3656T>C on transcript NM_015102.5 (MANE Select); coding-DNA position 3656, T replaced by C.
Protein change: p.Leu1219Pro; replaces leucine 1219 with proline.
Molecular consequence: missense variant. On other transcripts: non-coding transcript variant (1).
Genome position (GRCh38, 1-based): chr1:5,865,262, A>G on the plus strand (T>C on the coding strand, the complement: NPHP4 is on the minus strand). VCF-style: chr1-5865262-A-G. GRCh37 (hg19) VCF-style: chr1-5925322-A-G.
Other names: c.2117T>C, p.Leu706Pro (NM_001291593.2); c.2120T>C, p.Leu707Pro (NM_001291594.2); short protein forms L706P, L1219P, L707P.
Identifiers: ClinVar variation 1040335 (VCV001040335.8), dbSNP rs1641092466, ClinGen allele CA338050511.

ClinVar aggregate classification (germline): Uncertain significance (1 of 4 stars; one submission).

Conditions:
Nephronophthisis. Also called: Juvenile Nephronophthisis. Identifiers: Orphanet 655, MedGen C0687120, MONDO:0019005, HP:0000090.

Submission:

Labcorp Genetics (formerly Invitae), Labcorp
Classification: Uncertain significance for Nephronophthisis. Last evaluated: 2020-10-26. Review status: criteria provided, single submitter. Criteria: Invitae Variant Classification Sherloc (09022015). Collection method: clinical testing. Allele origin: germline.
Comment: Algorithms developed to predict the effect of missense changes on protein structure and function are either unavailable or do not agree on the potential impact of this missense change (SIFT: "Deleterious"; PolyPhen-2: "Probably Damaging"; Align-GVGD: "Class C0"). In summary, the available evidence is currently insufficient to determine the role of this variant in disease. Therefore, it has been classified as a Variant of Uncertain Significance. This variant has not been reported in the literature in individuals with NPHP4-related conditions. This sequence change replaces leucine with proline at codon 1219 of the NPHP4 protein (p.Leu1219Pro). The leucine residue is highly conserved and there is a moderate physicochemical difference between leucine and proline. This variant is not present in population databases (ExAC no frequency).